The following is an entry in ClinVar:

NM_003079.5(SMARCE1):c.541+18G>A

Gene: SMARCE1 (SWI/SNF related BAF chromatin remodeling complex subunit E1; minus strand). Cytogenetic location: 17q21.2.
Variant type: single nucleotide variant.
Coding change: c.541+18G>A on transcript NM_003079.5 (MANE Select); 18 bases into the intron after coding-DNA position 541, G replaced by A.
Molecular consequence: intron variant.
Genome position (GRCh38, 1-based): chr17:40,635,913, C>T on the plus strand (G>A on the coding strand, the complement: SMARCE1 is on the minus strand). VCF-style: chr17-40635913-C-T. GRCh37 (hg19) VCF-style: chr17-38792165-C-T.
Identifiers: ClinVar variation 4732837 (VCV004732837.1).

ClinVar aggregate classification (germline): Uncertain significance (1 of 4 stars; one submission).

Conditions:
Familial meningioma. Also called: Meningioma, familial, susceptibility to. Identifiers: Orphanet 263662, MedGen C3551915, MONDO:0011789, OMIM 607174.

Submission:

Labcorp Genetics (formerly Invitae), Labcorp
Classification: Uncertain significance for Familial meningioma. Last evaluated: 2025-12-09. Review status: criteria provided, single submitter. Criteria: Invitae Variant Classification Sherloc (09022015). Collection method: clinical testing. Allele origin: germline.
Comment: This sequence change falls in intron 7 of the SMARCE1 gene. It does not directly change the encoded amino acid sequence of the SMARCE1 protein. This variant is not present in population databases (gnomAD no frequency). This variant has not been reported in the literature in individuals affected with SMARCE1-related conditions. Algorithms developed to predict the effect of sequence changes on RNA splicing suggest that this variant may disrupt the consensus splice site. In summary, the available evidence is currently insufficient to determine the role of this variant in disease. Therefore, it has been classified as a Variant of Uncertain Significance.